The following is an entry in ClinVar:

ClinVar aggregate classification (germline): Pathogenic/Likely pathogenic. Review status: criteria provided, multiple submitters, no conflicts (2 of 4 stars). 3 submissions from 3 submitters: Pathogenic (1); Likely pathogenic (2). Last evaluated 2026-02-07.

Conditions:
Autosomal recessive limb-girdle muscular dystrophy type 2J (LGMDR10). Also called: Limb-girdle muscular dystrophy, type 2J; MUSCULAR DYSTROPHY, LIMB-GIRDLE, AUTOSOMAL RECESSIVE 10. Identifiers: Orphanet 140922, MedGen C1837342, MONDO:0012127, OMIM 608807.
Dilated cardiomyopathy 1G (CMD1G). Identifiers: Orphanet 154, MedGen C1858763, MONDO:0011400, OMIM 604145.
Primary dilated cardiomyopathy (DCM). Also called: Dilated Cardiomyopathy. Identifiers: Orphanet 217604, MedGen C0007193, MeSH D002311, MONDO:0005021, HP:0001644. Inheritance: Various modes of inheritance.

Submissions (3):

GeneDx
Classification: Likely pathogenic. Last evaluated: 2026-02-07. Review status: criteria provided, single submitter. Criteria: GeneDx Variant Classification Process June 2021. Collection method: clinical testing. Allele origin: germline.
Comment: Identified in a patient with DCM in published literature (PMID: 31112426); Frameshift variant predicted to result in protein truncation or nonsense mediated decay in a gene for which loss of function is a known mechanism of disease; Not observed at significant frequency in large population cohorts (gnomAD); This variant is associated with the following publications: (PMID: 22335739, 32778822, 31112426, 34135346)

Labcorp Genetics (formerly Invitae), Labcorp
Classification: Pathogenic for Dilated cardiomyopathy 1G; Autosomal recessive limb-girdle muscular dystrophy type 2J. Last evaluated: 2026-01-05. Review status: criteria provided, single submitter. Criteria: Invitae Variant Classification Sherloc (09022015). Collection method: clinical testing. Allele origin: germline.
Comment: This sequence change creates a premature translational stop signal (p.Ser33344Hisfs*7) in the TTN gene. While this is not anticipated to result in nonsense mediated decay, it is expected to create a truncated TTN protein. This variant is not present in population databases (gnomAD no frequency). This premature translational stop signal has been observed in individuals with dilated cardiomyopathy (PMID: 31112426; internal data). ClinVar contains an entry for this variant (Variation ID: 165667). This variant is located in the A band of TTN (PMID: 25589632). Truncating variants in this region are significantly overrepresented in patients affected with dilated cardiomyopathy (PMID: 25589632). Truncating variants in this region have also been reported in individuals affected with autosomal recessive centronuclear myopathy (PMID: 23975875). For these reasons, this variant has been classified as Pathogenic.

Laboratory for Molecular Medicine, Mass General Brigham Personalized Medicine
Classification: Likely pathogenic for Primary dilated cardiomyopathy. Last evaluated: 2014-09-12. Review status: criteria provided, single submitter. Criteria: LMM Criteria. Collection method: clinical testing. Allele origin: germline. Inheritance: Autosomal dominant inheritance. Observed: 1 variant allele.
Comment: The Ser30776fs variant in TTN has not been previously reported in individuals wi th cardiomyopathy. Data from large population studies is insufficient to assess the frequency of this variant. This variant is predicted to cause a frameshift, which alters the protein?s amino acid sequence beginning at position 30776 and l eads to a premature termination codon 7 amino acids downstream. This alteration is then predicted to lead to a truncated or absent protein. Frameshift and other truncating variants in TTN are strongly associated with DCM, particularly if th ey are located in the exons encoding for the A-band region of the protein (Herma n 2012, Pugh 2014), where this variant is located. In summary, although addition al studies are required to fully establish its clinical significance, the Ser307 76fs variant is likely pathogenic.

Literature cited by the submitters: PubMed 31112426 (cited by Labcorp Genetics (formerly Invitae), Labcorp); PubMed 25589632 (cited by Labcorp Genetics (formerly Invitae), Labcorp); PubMed 23975875 (cited by Labcorp Genetics (formerly Invitae), Labcorp).

NM_001267550.2(TTN):c.100026_100030del (p.Ser33344fs)

Genes: TTN (titin; minus strand), TTN-AS1 (TTN antisense RNA 1; plus strand), LOC126806420 (BRD4-independent group 4 enhancer GRCh37_chr2:179401104-179402303; plus strand). Cytogenetic location: 2q31.2.
Variant type: Deletion.
Coding change: c.100026_100030del on transcript NM_001267550.2 (MANE Select); coding-DNA positions 100026 to 100030, 5 bases deleted (GTCTT; older notation c.100026_100030delGTCTT).
Protein change: p.Ser33344fs; shifts the reading frame from serine 33344.
Molecular consequence: frameshift variant.
Genome position (GRCh38, 1-based): chr2:178,537,079-178,537,083, AAGAC deleted on the plus strand (GTCTT on the coding strand, the reverse complement: TTN is on the minus strand); deleting any 5 consecutive bases within chr2:178,537,079-178,537,084 gives the same sequence; the c. name uses the placement nearest the transcript's 3' end. VCF-style (leftmost placement, unchanged base first): chr2-178537078-GAAGAC-G. GRCh37 (hg19) VCF-style: chr2-179401805-GAAGAC-G.
Other names: c.95103_95107del, p.Ser31703fs (NM_001256850.1); c.72831_72835del, p.Ser24279fs (NM_003319.4); c.92322_92326del, p.Ser30776fs (NM_133378.4); c.73206_73210del, p.Ser24404fs (NM_133432.3); c.73407_73411del, p.Ser24471fs (NM_133437.4); c.100026_100030del (NM_001267550.1); c.92322_92326delGTCTT (NM_133378.4); short protein forms S31703fs, S30776fs, S24279fs, S24471fs, S24404fs, S33344fs.
Identifiers: ClinVar variation 165667 (VCV000165667.15), dbSNP rs727503537, ClinGen allele CA273248.